The following is an entry in ClinVar:

NM_000203.5(IDUA):c.493+1G>T

Gene: IDUA (alpha-L-iduronidase; plus strand). Cytogenetic location: 4p16.3.
Variant type: single nucleotide variant.
Coding change: c.493+1G>T on transcript NM_000203.5 (MANE Select); the canonical splice donor site of the intron after coding-DNA position 493, G replaced by T.
Molecular consequence: splice donor variant.
Genome position (GRCh38, 1-based): chr4:1,000,990, G>T. VCF-style: chr4-1000990-G-T. GRCh37 (hg19) VCF-style: chr4-994778-G-T.
Other names: c.97+1G>T (NM_001363576.1).
Identifiers: ClinVar variation 2768867 (VCV002768867.3), dbSNP rs1553916957, ClinGen allele CA355961627.
Genomic context (GRCh38, chr4:1,000,990, plus strand): 5'-ACAAGCAGCAGGTGTTTGAGTGGAAGGACTTGGTCTCCAGCCTGGCCAGGAGATACATCG[G>T]TGGGCGAGCGCAGGCCCTGGGGCCCTGGCCGGGGCGGGGGTACTCCTGGGCAGGTTGCAC-3'

ClinVar aggregate classification (germline): Pathogenic (1 of 4 stars; one submission).

Conditions:
Mucopolysaccharidosis type 1. Also called: Mucopolysaccharidosis Type I; IDUA deficiency; MPS I. Identifiers: Orphanet 579, MedGen C0023786, MONDO:0001586.

Submission:

Labcorp Genetics (formerly Invitae), Labcorp
Classification: Pathogenic for Mucopolysaccharidosis type 1. Last evaluated: 2023-10-15. Review status: criteria provided, single submitter. Criteria: Invitae Variant Classification Sherloc (09022015). Collection method: clinical testing. Allele origin: germline.
Comment: This sequence change affects a donor splice site in intron 4 of the IDUA gene. It is expected to disrupt RNA splicing. Variants that disrupt the donor or acceptor splice site typically lead to a loss of protein function (PMID: 16199547), and loss-of-function variants in IDUA are known to be pathogenic (PMID: 11735025, 21480867). This variant is not present in population databases (gnomAD no frequency). Disruption of this splice site has been observed in individual(s) with mucopolysaccharidosis type I (PMID: 21394825). Algorithms developed to predict the effect of sequence changes on RNA splicing suggest that this variant may disrupt the consensus splice site. For these reasons, this variant has been classified as Pathogenic.

Literature cited by the submitters: PubMed 16199547; PubMed 11735025; PubMed 21480867; PubMed 21394825.